The following is an entry in ClinVar:

ClinVar aggregate classification (germline): Uncertain significance. Review status: criteria provided, multiple submitters, no conflicts (2 of 4 stars). 3 submissions from 3 submitters: Uncertain significance (3). Last evaluated 2024-12-12.

Conditions:
Noonan syndrome-like disorder with loose anagen hair 1 (NSLH1). Also called: TOSTI SYNDROME; MAZZANTI SYNDROME. Identifiers: Orphanet 2701, MedGen C4478716, MONDO:0054637, OMIM 607721.
RASopathy. Also called: rasopathies; Noonan spectrum disorder. Identifiers: Orphanet 536391, MedGen C5555857, MONDO:0021060.

Allele frequency attached by ClinVar (database versions not stated): ExAC 0.00001; gnomAD exomes 0.00001; TOPMed 0.00001.
gnomAD v4.1: 4 of 1,612,278 alleles (0.00025%); highest among the groups gnomAD compares: South Asian, 0.0011%; no homozygotes.

Submissions (3):

Labcorp Genetics (formerly Invitae), Labcorp
Classification: Uncertain significance for RASopathy. Last evaluated: 2024-12-12. Review status: criteria provided, single submitter. Criteria: Invitae Variant Classification Sherloc (09022015). Collection method: clinical testing. Allele origin: germline.
Comment: This sequence change replaces isoleucine, which is neutral and non-polar, with threonine, which is neutral and polar, at codon 234 of the SHOC2 protein (p.Ile234Thr). This variant is present in population databases (rs751292868, gnomAD 0.003%). This variant has not been reported in the literature in individuals affected with SHOC2-related conditions. ClinVar contains an entry for this variant (Variation ID: 298860). An algorithm developed to predict the effect of missense changes on protein structure and function (PolyPhen-2) suggests that this variant is likely to be disruptive. In summary, the available evidence is currently insufficient to determine the role of this variant in disease. Therefore, it has been classified as a Variant of Uncertain Significance.

Illumina Laboratory Services, Illumina
Classification: Uncertain significance for Noonan syndrome-like disorder with loose anagen hair 1. Last evaluated: 2018-01-13. Review status: criteria provided, single submitter. Criteria: ICSL Variant Classification Criteria 13 December 2019. Collection method: clinical testing. Allele origin: germline.

Juno Genomics, Hangzhou Juno Genomics, Inc
Classification: Uncertain significance for Noonan syndrome-like disorder with loose anagen hair 1. Review status: criteria provided, single submitter. Criteria: ACMG Guidelines, 2015. Collection method: clinical testing. Allele origin: germline.
Comment: Missense variant in a gene that has a low rate of benign missense variation.;Multiple lines of computational evidence support a deleterious effect on the gene or gene product.;Absent from controls (or at extremely low frequency if recessive) in Genome Aggregation Database.

NM_007373.4(SHOC2):c.701T>C (p.Ile234Thr)

Gene: SHOC2 (SHOC2 leucine rich repeat scaffold protein; plus strand). Cytogenetic location: 10q25.2.
Variant type: single nucleotide variant.
Coding change: c.701T>C on transcript NM_007373.4 (MANE Select); coding-DNA position 701, T replaced by C.
Protein change: p.Ile234Thr; replaces isoleucine 234 with threonine.
Molecular consequence: missense variant.
Genome position (GRCh38, 1-based): chr10:110,965,059, T>C. VCF-style: chr10-110965059-T-C. GRCh37 (hg19) VCF-style: chr10-112724817-T-C.
Other names: c.701T>C, p.Ile234Thr (NM_001269039.3, NM_001324336.2, NM_001324337.2); short protein forms I234T.
Identifiers: ClinVar variation 298860 (VCV000298860.9), dbSNP rs751292868, ClinGen allele CA5689611.